The following is an entry in ClinVar:

ClinVar aggregate classification (germline): Uncertain significance. Review status: criteria provided, multiple submitters, no conflicts (2 of 4 stars). 3 submissions from 3 submitters: Uncertain significance (3). Last evaluated 2023-10-01.

Conditions:
Retinal dystrophy. Also called: Inherited retinal dystrophy. Identifiers: Orphanet 71862, MedGen C0854723, MeSH D058499, MONDO:0019118, HP:0000556.

Allele frequency attached by ClinVar (database versions not stated): gnomAD 0.00001; TOPMed 0.00002; gnomAD exomes 0.00006 and 0.00013; ExAC 0.00014; 1000 Genomes Project 30x 0.00016; 1000 Genomes Project 0.00020.
gnomAD v4.1: 91 of 1,614,086 alleles (0.0056%); highest among the groups gnomAD compares: Admixed American, 0.032%; no homozygotes.

Submissions (3):

Dept Of Ophthalmology, Nagoya University
Classification: Uncertain significance for Retinal dystrophy. Last evaluated: 2023-10-01. Review status: criteria provided, single submitter. Criteria: Submitter's publication. Collection method: research. Allele origin: germline. Affected: yes.

Blueprint Genetics
Classification: Uncertain significance. Last evaluated: 2023-09-22. Review status: criteria provided, single submitter. Criteria: ACMG Guidelines, 2015. Collection method: clinical testing. Allele origin: germline.

Labcorp Genetics (formerly Invitae), Labcorp
Classification: Uncertain significance. Last evaluated: 2022-08-20. Review status: criteria provided, single submitter. Criteria: Invitae Variant Classification Sherloc (09022015). Collection method: clinical testing. Allele origin: germline.
Comment: This sequence change replaces arginine, which is basic and polar, with glutamine, which is neutral and polar, at codon 1055 of the ABCA4 protein (p.Arg1055Gln). This variant is present in population databases (rs187071406, gnomAD 0.05%). This variant has not been reported in the literature in individuals affected with ABCA4-related conditions. ClinVar contains an entry for this variant (Variation ID: 1047803). Algorithms developed to predict the effect of missense changes on protein structure and function (SIFT, PolyPhen-2, Align-GVGD) all suggest that this variant is likely to be disruptive. Algorithms developed to predict the effect of sequence changes on RNA splicing suggest that this variant may create or strengthen a splice site. In summary, the available evidence is currently insufficient to determine the role of this variant in disease. Therefore, it has been classified as a Variant of Uncertain Significance.

NM_000350.3(ABCA4):c.3164G>A (p.Arg1055Gln)

Gene: ABCA4 (ATP binding cassette subfamily A member 4; minus strand). Cytogenetic location: 1p22.1.
Variant type: single nucleotide variant.
Coding change: c.3164G>A on transcript NM_000350.3 (MANE Select); coding-DNA position 3164, G replaced by A.
Protein change: p.Arg1055Gln; replaces arginine 1055 with glutamine.
Molecular consequence: missense variant.
Genome position (GRCh38, 1-based): chr1:94,043,362, C>T on the plus strand (G>A on the coding strand, the complement: ABCA4 is on the minus strand). VCF-style: chr1-94043362-C-T. GRCh37 (hg19) VCF-style: chr1-94508918-C-T.
Other names: c.2942G>A, p.Arg981Gln (NM_001425324.1); short protein forms R1055Q, R981Q.
Identifiers: ClinVar variation 1047803 (VCV001047803.8), dbSNP rs187071406, ClinGen allele CA958035.
Genomic context (GRCh38, chr1:94,043,362, plus strand): 5'-ATCTGTGGCCCTGTCTCCATCCAGCTCTGAGCACCTGATAGGTCCTGAGCCTCTTCATTC[C>T]GCTTGTGGTGGAGGCCTGTGTCCTCCAACATGGCTTCCATCTCCAGCTGGGCCTCCTCCT-3'
Protein context (NP_000341.2, residues 1045-1065): MLEDTGLHHK[Arg1055Gln]NEEAQDLSGG